The following is an entry in ClinVar:

ClinVar aggregate classification (germline): Pathogenic (1 of 4 stars; one submission).

Submission:

GeneDx
Classification: Pathogenic. Last evaluated: 2024-01-17. Review status: criteria provided, single submitter. Criteria: GeneDx Variant Classification Process June 2021. Collection method: clinical testing. Allele origin: germline. Affected: yes.
Comment: Frameshift variant predicted to result in protein truncation or nonsense mediated decay in a gene for which loss of function is a known mechanism of disease; Not observed at significant frequency in large population cohorts (gnomAD); This variant is associated with the following publications: (PMID: 16155193)

NM_017780.4(CHD7):c.921_922del (p.Gly308fs)

Gene: CHD7 (chromodomain helicase DNA binding protein 7; plus strand). Cytogenetic location: 8q12.2.
Variant type: Deletion.
Coding change: c.921_922del on transcript NM_017780.4 (MANE Select); coding-DNA positions 921 to 922, 2 bases deleted (AG; older notation c.921_922delAG).
Protein change: p.Gly308fs; shifts the reading frame from glycine 308.
Molecular consequence: frameshift variant.
Genome position (GRCh38, 1-based): chr8:60,742,353-60,742,354, AG deleted. VCF-style (leftmost placement, unchanged base first): chr8-60742352-CAG-C. GRCh37 (hg19) VCF-style: chr8-61654911-CAG-C.
Other names: c.921_922del, p.Gly308fs (NM_001316690.1); c.921_922delAG, p.Gly308Alafs (NM_017780.2); short protein forms G308fs.
Identifiers: ClinVar variation 3338888 (VCV003338888.1).